The following is an entry in ClinVar:

ClinVar aggregate classification (germline): Uncertain significance. Review status: criteria provided, multiple submitters, no conflicts (2 of 4 stars). 2 submissions from 2 submitters: Uncertain significance (2). Last evaluated 2024-09-30.

Conditions:
Inborn genetic diseases. Identifiers: MedGen C0950123, MeSH D030342.
Brachyolmia-amelogenesis imperfecta syndrome. Also called: Tooth agenesis, selective, 6; Dental anomalies and short stature; PLATYSPONDYLY WITH AMELOGENESIS IMPERFECTA. Identifiers: Orphanet 2899, MedGen C1832594, MONDO:0011018, OMIM 601216. Disease mechanism: loss of function.

Allele frequency attached by ClinVar (database versions not stated): gnomAD exomes below 0.00001; ExAC 0.00001.
gnomAD v4.1: 5 of 1,610,076 alleles (0.00031%); highest among the groups gnomAD compares: Admixed American, 0.0017%; no homozygotes.

Submissions (2):

Ambry Genetics
Classification: Uncertain significance for Inborn genetic diseases. Last evaluated: 2024-09-30. Review status: criteria provided, single submitter. Criteria: Ambry Variant Classification Scheme 2023. Collection method: clinical testing. Allele origin: germline.

Labcorp Genetics (formerly Invitae), Labcorp
Classification: Uncertain significance for Brachyolmia-amelogenesis imperfecta syndrome. Last evaluated: 2023-03-20. Review status: criteria provided, single submitter. Criteria: Invitae Variant Classification Sherloc (09022015). Collection method: clinical testing. Allele origin: germline.
Comment: This sequence change replaces alanine, which is neutral and non-polar, with threonine, which is neutral and polar, at codon 203 of the LTBP3 protein (p.Ala203Thr). This variant is present in population databases (rs775332913, gnomAD 0.003%). This variant has not been reported in the literature in individuals affected with LTBP3-related conditions. ClinVar contains an entry for this variant (Variation ID: 1751436). An algorithm developed to predict the effect of missense changes on protein structure and function (PolyPhen-2) suggests that this variant is likely to be disruptive. In summary, the available evidence is currently insufficient to determine the role of this variant in disease. Therefore, it has been classified as a Variant of Uncertain Significance.

NM_001130144.3(LTBP3):c.607G>A (p.Ala203Thr)

Gene: LTBP3 (latent transforming growth factor beta binding protein 3; minus strand). Cytogenetic location: 11q13.1.
Variant type: single nucleotide variant.
Coding change: c.607G>A on transcript NM_001130144.3 (MANE Select); coding-DNA position 607, G replaced by A.
Protein change: p.Ala203Thr; replaces alanine 203 with threonine.
Molecular consequence: missense variant.
Genome position (GRCh38, 1-based): chr11:65,554,105, C>T on the plus strand (G>A on the coding strand, the complement: LTBP3 is on the minus strand). VCF-style: chr11-65554105-C-T. GRCh37 (hg19) VCF-style: chr11-65321576-C-T.
Other names: c.256G>A, p.Ala86Thr (NM_001164266.1); c.607G>A, p.Ala203Thr (NM_021070.4); short protein forms A203T, A86T.
Identifiers: ClinVar variation 1751436 (VCV001751436.6), dbSNP rs775332913, ClinGen allele CA6101199.
Genomic context (GRCh38, chr11:65,554,105, plus strand): 5'-TGGTACCTTCTGCTGAGATCTGTCCCGGGCCTAGGGGCACCAGGAAGGCTGCGTGCTGGG[C>T]AGGAGGCCCCTCCCCGGGCCCAGGAGGGTCAGCGATCACCTGGACGGCGTAGATGGCGTG-3'
Protein context (NP_001123616.1, residues 193-213): DPPGPGEGPP[Ala203Thr]QHAAFLVPLG